The following is an entry in ClinVar:

ClinVar aggregate classification (germline): Uncertain significance (1 of 4 stars; one submission).

Conditions:
Fanconi anemia complementation group Q. Identifiers: Orphanet 84, MedGen C3808988, MONDO:0014108, OMIM 615272.

Allele frequency attached by ClinVar (database versions not stated): gnomAD exomes below 0.00001.
gnomAD v4.1: 7 of 1,605,944 alleles (0.00044%); highest among the groups gnomAD compares: Non-Finnish European, 0.00051%; no homozygotes.

Submission:

Baylor Genetics
Classification: Uncertain significance for Fanconi anemia complementation group Q. Last evaluated: 2020-07-01. Review status: criteria provided, single submitter. Criteria: ACMG Guidelines, 2015. Collection method: clinical testing. Allele origin: paternal. Affected: yes. Study: CSER-TexasKidsCanSeq.
Comment: This variant was determined to be of uncertain significance according to ACMG Guidelines, 2015 [PMID:25741868].

NM_005236.3(ERCC4):c.17C>T (p.Pro6Leu)

Genes: ERCC4 (ERCC excision repair 4, endonuclease catalytic subunit; plus strand), LOC130058543 (ATAC-STARR-seq lymphoblastoid active region 10486; plus strand). Cytogenetic location: 16p13.12.
Variant type: single nucleotide variant.
Coding change: c.17C>T on transcript NM_005236.3 (MANE Select); coding-DNA position 17, C replaced by T.
Protein change: p.Pro6Leu; replaces proline 6 with leucine.
Molecular consequence: missense variant.
Genome position (GRCh38, 1-based): chr16:13,920,182, C>T. VCF-style: chr16-13920182-C-T. GRCh37 (hg19) VCF-style: chr16-14014039-C-T.
Other names: short protein forms P6L.
Identifiers: ClinVar variation 998306 (VCV000998306.1), dbSNP rs2031938186, ClinGen allele CA394815834.
Genomic context (GRCh38, chr16:13,920,182, plus strand): 5'-CGGCTTCCTTCGGCTGCGTTCGGCTGCGACCCGGAAGAGCTTCCATGGAGTCAGGGCAGC[C>T]GGCTCGACGGATTGCCATGGCGCCGCTGCTGGAGTACGAGCGACAGCTGGTGCTGGAACT-3'
Protein context (NP_005227.1, residues 1-16): MESGQ[Pro6Leu]ARRIAMAPLL